The following is an entry in ClinVar:

NM_024422.6(DSC2):c.1767G>A (p.Met589Ile)

Gene: DSC2 (desmocollin 2; minus strand). Cytogenetic location: 18q12.1.
Variant type: single nucleotide variant.
Coding change: c.1767G>A on transcript NM_024422.6 (MANE Select); coding-DNA position 1767, G replaced by A.
Protein change: p.Met589Ile; replaces methionine 589 with isoleucine.
Molecular consequence: missense variant.
Genome position (GRCh38, 1-based): chr18:31,074,804, C>T on the plus strand (G>A on the coding strand, the complement: DSC2 is on the minus strand). VCF-style: chr18-31074804-C-T. GRCh37 (hg19) VCF-style: chr18-28654770-C-T.
Other names: c.1767G>A, p.Met589Ile (NM_004949.5); short protein forms M589I.
Identifiers: ClinVar variation 1332091 (VCV001332091.3), dbSNP rs2144800002, ClinGen allele CA402114100.

ClinVar aggregate classification (germline): Uncertain significance (1 of 4 stars; one submission).

Conditions:
Cardiomyopathy (CMYO). Also called: Cardiomyopathies. Identifiers: Orphanet 167848, MedGen C0878544, MONDO:0004994, HP:0001638. Inheritance: Various modes of inheritance.

Allele frequency attached by ClinVar (database versions not stated): gnomAD exomes below 0.00001.
gnomAD v4.1: 2 of 1,614,044 alleles (0.00012%); highest among the groups gnomAD compares: Non-Finnish European, 0.00017%; no homozygotes.

Submission:

Color Diagnostics, LLC DBA Color Health
Classification: Uncertain significance for Cardiomyopathy. Last evaluated: 2025-03-24. Review status: criteria provided, single submitter. Criteria: ACMG Guidelines, 2015. Collection method: clinical testing. Allele origin: germline.
Comment: This missense variant replaces methionine with isoleucine at codon 589 of the DSC2 protein. Computational prediction suggests that this variant may not impact protein structure and function (internally defined REVEL score threshold <= 0.5, PMID: 27666373). To our knowledge, functional studies have not been reported for this variant. This variant has not been reported in individuals affected with cardiovascular disorders in the literature. This variant has not been identified in the general population by the Genome Aggregation Database (gnomAD). The available evidence is insufficient to determine the role of this variant in disease conclusively. Therefore, this variant is classified as a Variant of Uncertain Significance.